The following is an entry in ClinVar:

ClinVar aggregate classification (germline): Likely benign (1 of 4 stars; one submission).

Allele frequency attached by ClinVar (database versions not stated): gnomAD 0.00001; gnomAD exomes 0.00001; TOPMed 0.00001; ExAC 0.00002; ESP Exome Variant Server 0.00008.
gnomAD v4.1: 22 of 1,614,070 alleles (0.0014%); highest among the groups gnomAD compares: Non-Finnish European, 0.0019%; no homozygotes.

Submission:

CeGaT Center for Human Genetics Tuebingen
Classification: Likely benign. Last evaluated: 2026-09-01. Review status: criteria provided, single submitter. Criteria: CeGaT Center For Human Genetics Tuebingen Variant Classification Criteria Version 2. Collection method: clinical testing. Allele origin: germline. Affected: yes. Observed: 2 variant alleles.
Comment: TGIF1: BP4

NM_003244.4(TGIF1):c.409G>A (p.Glu137Lys)

Gene: TGIF1 (TGFB induced factor homeobox 1; plus strand). Cytogenetic location: 18p11.31.
Variant type: single nucleotide variant.
Coding change: c.409G>A on transcript NM_003244.4 (MANE Select); coding-DNA position 409, G replaced by A.
Protein change: p.Glu137Lys; replaces glutamic acid 137 with lysine.
Molecular consequence: missense variant.
Genome position (GRCh38, 1-based): chr18:3,457,530, G>A. VCF-style: chr18-3457530-G-A. GRCh37 (hg19) VCF-style: chr18-3457528-G-A.
Other names: c.418G>A, p.Glu140Lys (NM_001278682.2); c.409G>A, p.Glu137Lys (NM_001278684.2, NM_173208.3); c.349G>A, p.Glu117Lys (NM_001278686.3, NM_001374396.1, NM_001374397.1 and 5 more transcripts); c.451G>A, p.Glu151Lys (NM_173207.4); short protein forms E117K, E137K, E140K, E151K.
Identifiers: ClinVar variation 2648532 (VCV002648532.24), dbSNP rs375158323, ClinGen allele CA8875948.